The following is an entry in ClinVar:

ClinVar aggregate classification (germline): Uncertain significance. Review status: criteria provided, multiple submitters, no conflicts (2 of 4 stars). 2 submissions from 2 submitters: Uncertain significance (2). Last evaluated 2026-05-11.

Conditions:
Cardiovascular phenotype. Identifiers: MedGen CN230736.
Distal myopathy with posterior leg and anterior hand involvement. Also called: WILLIAMS DISTAL MYOPATHY. Identifiers: Orphanet 63273, MedGen C3279722, MONDO:0013550, OMIM 614065.
Myofibrillar myopathy 5. Also called: Filaminopathy (type); FILAMINOPATHY, AUTOSOMAL DOMINANT. Identifiers: Orphanet 171445, MedGen C1836050, MONDO:0012289, OMIM 609524.
Hypertrophic cardiomyopathy 26. Also called: Cardiomyopathy, familial hypertrophic, 26. Identifiers: Orphanet 75249, MedGen C4310749, MONDO:0014883, OMIM 617047.

gnomAD v4.1: 2 of 1,613,260 alleles (0.00012%); highest among the groups gnomAD compares: Non-Finnish European, 0.00017%; no homozygotes.

Submissions (2):

Ambry Genetics
Classification: Uncertain significance for Cardiovascular phenotype. Last evaluated: 2026-05-11. Review status: criteria provided, single submitter. Criteria: Ambry Variant Classification Scheme 2023. Collection method: clinical testing. Allele origin: germline.

Labcorp Genetics (formerly Invitae), Labcorp
Classification: Uncertain significance for Distal myopathy with posterior leg and anterior hand involvement; Myofibrillar myopathy 5; Hypertrophic cardiomyopathy 26. Last evaluated: 2023-03-01. Review status: criteria provided, single submitter. Criteria: Invitae Variant Classification Sherloc (09022015). Collection method: clinical testing. Allele origin: germline.
Comment: In summary, the available evidence is currently insufficient to determine the role of this variant in disease. Therefore, it has been classified as a Variant of Uncertain Significance. Advanced modeling of protein sequence and biophysical properties (such as structural, functional, and spatial information, amino acid conservation, physicochemical variation, residue mobility, and thermodynamic stability) has been performed at Invitae for this missense variant, however the output from this modeling did not meet the statistical confidence thresholds required to predict the impact of this variant on FLNC protein function. ClinVar contains an entry for this variant (Variation ID: 861692). This variant has not been reported in the literature in individuals affected with FLNC-related conditions. This variant is not present in population databases (gnomAD no frequency). This sequence change replaces threonine, which is neutral and polar, with isoleucine, which is neutral and non-polar, at codon 1041 of the FLNC protein (p.Thr1041Ile).

NM_001458.5(FLNC):c.3122C>T (p.Thr1041Ile)

Gene: FLNC (filamin C; plus strand). Cytogenetic location: 7q32.1.
Variant type: single nucleotide variant.
Coding change: c.3122C>T on transcript NM_001458.5 (MANE Select); coding-DNA position 3122, C replaced by T.
Protein change: p.Thr1041Ile; replaces threonine 1041 with isoleucine.
Molecular consequence: missense variant.
Genome position (GRCh38, 1-based): chr7:128,844,196, C>T. VCF-style: chr7-128844196-C-T. GRCh37 (hg19) VCF-style: chr7-128484250-C-T.
Other names: c.3122C>T, p.Thr1041Ile (NM_001127487.2); short protein forms T1041I.
Identifiers: ClinVar variation 861692 (VCV000861692.11), dbSNP rs557380928, ClinGen allele CA369194444.